The following is an entry in ClinVar:

NM_032656.4(DHX37):c.289C>G (p.Leu97Val)

Gene: DHX37 (DEAH-box helicase 37; minus strand). Cytogenetic location: 12q24.31.
Variant type: single nucleotide variant.
Coding change: c.289C>G on transcript NM_032656.4 (MANE Select); coding-DNA position 289, C replaced by G.
Protein change: p.Leu97Val; replaces leucine 97 with valine.
Molecular consequence: missense variant.
Genome position (GRCh38, 1-based): chr12:124,982,611, G>C on the plus strand (C>G on the coding strand, the complement: DHX37 is on the minus strand). VCF-style: chr12-124982611-G-C. GRCh37 (hg19) VCF-style: chr12-125467157-G-C.
Other names: short protein forms L97V.
Identifiers: ClinVar variation 2129006 (VCV002129006.4), dbSNP rs780061121, ClinGen allele CA387228311.
Genomic context (GRCh38, chr12:124,982,611, plus strand): 5'-AAGTGGTATAAAAGAGTCTCATCTCAGCTTCGGAAGCCTGGACTTCACTCAGCTTCTGTA[G>C]CATCTCTGCTCGCTGGGAAAGGAAACGAGTGTATTATGCATTTGCCATCACGACCCTCTC-3'
Protein context (NP_116045.2, residues 87-107): KEKKSQRAEM[Leu97Val]QKLSEVQASE

ClinVar aggregate classification (germline): Uncertain significance (1 of 4 stars; one submission).

Submission:

Labcorp Genetics (formerly Invitae), Labcorp
Classification: Uncertain significance. Last evaluated: 2025-06-20. Review status: criteria provided, single submitter. Criteria: Invitae Variant Classification Sherloc (09022015). Collection method: clinical testing. Allele origin: germline.
Comment: This sequence change replaces leucine, which is neutral and non-polar, with valine, which is neutral and non-polar, at codon 97 of the DHX37 protein (p.Leu97Val). This variant is not present in population databases (gnomAD no frequency). This variant has not been reported in the literature in individuals affected with DHX37-related conditions. ClinVar contains an entry for this variant (Variation ID: 2129006). An algorithm developed to predict the effect of missense changes on protein structure and function (PolyPhen-2) suggests that this variant is likely to be tolerated. In summary, the available evidence is currently insufficient to determine the role of this variant in disease. Therefore, it has been classified as a Variant of Uncertain Significance.